The following is an entry in ClinVar:

ClinVar aggregate classification (germline): Uncertain significance. Review status: criteria provided, multiple submitters, no conflicts (2 of 4 stars). 2 submissions from 2 submitters: Uncertain significance (2). Last evaluated 2025-12-22.

Allele frequency attached by ClinVar (database versions not stated): gnomAD 0.00002; TOPMed 0.00006.
gnomAD v4.1: 50 of 1,612,938 alleles (0.0031%); highest among the groups gnomAD compares: Admixed American, 0.082%; no homozygotes.

Submissions (2):

Ambry Genetics
Classification: Uncertain significance. Last evaluated: 2025-12-22. Review status: criteria provided, single submitter. Criteria: Ambry Variant Classification Scheme 2023. Collection method: clinical testing. Allele origin: germline.

Labcorp Genetics (formerly Invitae), Labcorp
Classification: Uncertain significance. Last evaluated: 2024-02-23. Review status: criteria provided, single submitter. Criteria: Invitae Variant Classification Sherloc (09022015). Collection method: clinical testing. Allele origin: germline.
Comment: This sequence change replaces serine, which is neutral and polar, with asparagine, which is neutral and polar, at codon 773 of the SBF1 protein (p.Ser773Asn). This variant is present in population databases (rs763014252, gnomAD 0.1%). This variant has not been reported in the literature in individuals affected with SBF1-related conditions. ClinVar contains an entry for this variant (Variation ID: 2083668). Advanced modeling of protein sequence and biophysical properties (such as structural, functional, and spatial information, amino acid conservation, physicochemical variation, residue mobility, and thermodynamic stability) performed at Invitae indicates that this missense variant is not expected to disrupt SBF1 protein function with a negative predictive value of 80%. In summary, the available evidence is currently insufficient to determine the role of this variant in disease. Therefore, it has been classified as a Variant of Uncertain Significance.

NM_002972.4(SBF1):c.2318G>A (p.Ser773Asn)

Gene: SBF1 (SET binding factor 1; minus strand). Cytogenetic location: 22q13.33.
Variant type: single nucleotide variant.
Coding change: c.2318G>A on transcript NM_002972.4 (MANE Select); coding-DNA position 2318, G replaced by A.
Protein change: p.Ser773Asn; replaces serine 773 with asparagine.
Molecular consequence: missense variant.
Genome position (GRCh38, 1-based): chr22:50,462,283, C>T on the plus strand (G>A on the coding strand, the complement: SBF1 is on the minus strand). VCF-style: chr22-50462283-C-T. GRCh37 (hg19) VCF-style: chr22-50900712-C-T.
Other names: c.2321G>A, p.Ser774Asn (NM_001365819.1, NM_001410794.1); c.2318G>A, p.Ser773Asn (NM_001410795.1, NM_197971.1); c.2318G>A (NM_002972.2); short protein forms S774N, S773N.
Identifiers: ClinVar variation 2083668 (VCV002083668.3), dbSNP rs763014252, ClinGen allele CA10317278.